The following is an entry in ClinVar:

ClinVar aggregate classification (germline): Uncertain significance (1 of 4 stars; one submission).

Conditions:
Hereditary cancer-predisposing syndrome. Also called: Neoplastic Syndromes, Hereditary; Tumor predisposition; Hereditary Cancer Syndrome; Hereditary neoplastic syndrome. Identifiers: Orphanet 140162, MedGen C0027672, MeSH D009386, MONDO:0015356.

Submission:

Ambry Genetics
Classification: Uncertain significance for Hereditary cancer-predisposing syndrome. Last evaluated: 2022-07-24. Review status: criteria provided, single submitter. Criteria: Ambry Variant Classification Scheme 2023. Collection method: clinical testing. Allele origin: germline.
Comment: The p.F611L variant (also known as c.1833C>A), located in coding exon 10 of the DICER1 gene, results from a C to A substitution at nucleotide position 1833. The phenylalanine at codon 611 is replaced by leucine, an amino acid with highly similar properties. This amino acid position is conserved. In addition, this alteration is predicted to be tolerated by in silico analysis. Since supporting evidence is limited at this time, the clinical significance of this alteration remains unclear.

NM_177438.3(DICER1):c.1833C>A (p.Phe611Leu)

Gene: DICER1 (dicer 1, ribonuclease III; minus strand). Cytogenetic location: 14q32.13.
Variant type: single nucleotide variant.
Coding change: c.1833C>A on transcript NM_177438.3 (MANE Select); coding-DNA position 1833, C replaced by A.
Protein change: p.Phe611Leu; replaces phenylalanine 611 with leucine.
Molecular consequence: missense variant. On other transcripts: non-coding transcript variant (6).
Genome position (GRCh38, 1-based): chr14:95,115,741, G>T on the plus strand (C>A on the coding strand, the complement: DICER1 is on the minus strand). VCF-style: chr14-95115741-G-T. GRCh37 (hg19) VCF-style: chr14-95582078-G-T.
Other names: c.1833C>A, p.Phe611Leu (NM_001195573.1, NM_001271282.3, NM_001291628.2 and 13 more transcripts); c.1551C>A, p.Phe517Leu (NM_001395686.1); c.1428C>A, p.Phe476Leu (NM_001395687.1, NM_001395688.1, NM_001395689.1 and 3 more transcripts); c.1266C>A, p.Phe422Leu (NM_001395691.1); c.150C>A, p.Phe50Leu (NM_001395697.1); short protein forms F422L, F476L, F517L, F611L, F50L.
Identifiers: ClinVar variation 1780994 (VCV001780994.2), dbSNP rs2140113596, ClinGen allele CA390884030.